The following is an entry in ClinVar:

NM_000090.4(COL3A1):c.2512C>G (p.Pro838Ala)

Gene: COL3A1 (collagen type III alpha 1 chain; plus strand). Cytogenetic location: 2q32.2.
Variant type: single nucleotide variant.
Coding change: c.2512C>G on transcript NM_000090.4 (MANE Select); coding-DNA position 2512, C replaced by G.
Protein change: p.Pro838Ala; replaces proline 838 with alanine.
Molecular consequence: missense variant.
Genome position (GRCh38, 1-based): chr2:189,003,021, C>G. VCF-style: chr2-189003021-C-G. GRCh37 (hg19) VCF-style: chr2-189867747-C-G.
Other names: short protein forms P838A.
Identifiers: ClinVar variation 4756954 (VCV004756954.1).

ClinVar aggregate classification (germline): Uncertain significance (1 of 4 stars; one submission).

Conditions:
Familial thoracic aortic aneurysm and aortic dissection (TAAD). Also called: Thoracic aortic aneurysms and dissections. Identifiers: Orphanet 91387, MedGen C4707243, MONDO:0019625.

Submission:

Color Diagnostics, LLC DBA Color Health
Classification: Uncertain significance for Familial thoracic aortic aneurysm and aortic dissection. Last evaluated: 2025-06-23. Review status: criteria provided, single submitter. Criteria: ACMG Guidelines, 2015. Collection method: clinical testing. Allele origin: germline.
Comment: This missense variant replaces proline with alanine at codon 838 of the COL3A1 protein. Computational prediction suggests that this variant may not impact protein structure and function. To our knowledge, functional studies have not been reported for this variant. This variant has not been reported in individuals affected with COL3A1-related disorders in the literature. This variant has not been identified in the general population by the Genome Aggregation Database (gnomAD). The available evidence is insufficient to determine the role of this variant in disease conclusively. Therefore, this variant is classified as a Variant of Uncertain Significance.